The following is an entry in ClinVar:

ClinVar aggregate classification (germline): Likely benign (1 of 4 stars; one submission).

Submission:

GeneDx
Classification: Likely benign. Last evaluated: 2017-03-29. Review status: criteria provided, single submitter. Criteria: GeneDx Variant Classification (06012015). Collection method: clinical testing. Allele origin: germline. Affected: yes.
Comment: This variant is considered likely benign or benign based on one or more of the following criteria: it is a conservative change, it occurs at a poorly conserved position in the protein, it is predicted to be benign by multiple in silico algorithms, and/or has population frequency not consistent with disease.

NM_014391.3(ANKRD1):c.-40del

Gene: ANKRD1 (ankyrin repeat domain 1; minus strand). Cytogenetic location: 10q23.31.
Variant type: Deletion.
Coding change: c.-40del on transcript NM_014391.3 (MANE Select); 40 bases upstream of the start codon, one base deleted (C; older notation c.-40delC).
Molecular consequence: 5 prime UTR variant.
Genome position (GRCh38, 1-based): chr10:90,921,067, G deleted on the plus strand (C on the coding strand, the reverse complement: ANKRD1 is on the minus strand); the first of 2 consecutive G bases (chr10:90,921,067-90,921,068); deleting either gives the same sequence. VCF-style (leftmost placement, unchanged base first): chr10-90921066-AG-A. GRCh37 (hg19) VCF-style: chr10-92680823-AG-A.
Other names: c.-40delC (NM_014391.2).
Identifiers: ClinVar variation 508450 (VCV000508450.1), dbSNP rs558535158, ClinGen allele CA5598887.